The following is an entry in ClinVar:

NM_031885.5(BBS2):c.184C>G (p.Leu62Val)

Gene: BBS2 (Bardet-Biedl syndrome 2; minus strand). Cytogenetic location: 16q13.
Variant type: single nucleotide variant.
Coding change: c.184C>G on transcript NM_031885.5 (MANE Select); coding-DNA position 184, C replaced by G.
Protein change: p.Leu62Val; replaces leucine 62 with valine.
Molecular consequence: missense variant. On other transcripts: non-coding transcript variant (5).
Genome position (GRCh38, 1-based): chr16:56,514,614, G>C on the plus strand (C>G on the coding strand, the complement: BBS2 is on the minus strand). VCF-style: chr16-56514614-G-C. GRCh37 (hg19) VCF-style: chr16-56548526-G-C.
Other names: c.184C>G, p.Leu62Val (NM_001377456.1); short protein forms L62V.
Identifiers: ClinVar variation 855529 (VCV000855529.10), dbSNP rs201860939, ClinGen allele CA8066100.

ClinVar aggregate classification (germline): Uncertain significance. Review status: criteria provided, multiple submitters, no conflicts (2 of 4 stars). 5 submissions from 5 submitters: Uncertain significance (4). 1 of the submissions does not count toward it. Last evaluated 2026-09-16.

Conditions:
Bardet-Biedl syndrome 2 (BBS2). Identifiers: Orphanet 110, MedGen C2936863, MONDO:0014432, OMIM 615981.
BBS2-related disorder. Also called: BBS2-related condition; BBS2-related disorders. Identifiers: MedGen CN239228.
Bardet-Biedl syndrome (BBS). Identifiers: Orphanet 110, MedGen C0752166, MONDO:0015229.
Inborn genetic diseases. Identifiers: MedGen C0950123, MeSH D030342.

Allele frequency attached by ClinVar (database versions not stated): ExAC 0.00001; gnomAD 0.00001; gnomAD exomes 0.00001 and 0.00002; TOPMed 0.00003; 1000 Genomes Project 0.00020; 1000 Genomes Project 30x 0.00031.
gnomAD v4.1: 31 of 1,612,908 alleles (0.0019%); highest among the groups gnomAD compares: Non-Finnish European, 0.0025%; no homozygotes.

Submissions (5):

PreventionGenetics, part of Exact Sciences
Classification: Uncertain significance for BBS2-related condition. Last evaluated: 2026-09-16. Review status: criteria provided, single submitter. Criteria: ACMG Guidelines, 2015. Collection method: clinical testing. Allele origin: germline.
Comment: The BBS2 c.184C>G variant is predicted to result in the amino acid substitution p.Leu62Val. To our knowledge, this variant has not been reported in the literature. This variant is reported in 0.0031% of alleles in individuals of European (non-Finnish) descent in gnomAD. At this time, the clinical significance of this variant is uncertain due to the absence of conclusive functional and genetic evidence.

Ambry Genetics
Classification: Uncertain significance for Inborn genetic diseases. Last evaluated: 2025-03-22. Review status: criteria provided, single submitter. Criteria: Ambry Variant Classification Scheme 2023. Collection method: clinical testing. Allele origin: germline.

Women's Health and Genetics/Laboratory Corporation of America, LabCorp
Classification: Uncertain significance. Last evaluated: 2024-08-23. Review status: criteria provided, single submitter. Criteria: LabCorp Variant Classification Summary - May 2015. Collection method: clinical testing. Allele origin: germline.
Comment: Variant summary: BBS2 c.184C>G (p.Leu62Val) results in a conservative amino acid change located in the Ciliary BBSome complex subunit 2, N-terminal domain (IPR029430) of the encoded protein sequence. Five of five in-silico tools predict a benign effect of the variant on protein function. The variant allele was found at a frequency of 1.2e-05 in 251304 control chromosomes, predominantly at a frequency of 2.6e-05 within the Non-Finnish European subpopulation in the gnomAD database. The available data on variant occurrences in the general population are insufficient to allow any conclusion about variant significance. To our knowledge, no occurrence of c.184C>G in individuals affected with Bardet-Biedl Syndrome and no experimental evidence demonstrating its impact on protein function have been reported. ClinVar contains an entry for this variant (Variation ID: 855529). Based on the evidence outlined above, the variant was classified as uncertain significance.

Labcorp Genetics (formerly Invitae), Labcorp
Classification: Uncertain significance for Bardet-Biedl syndrome. Last evaluated: 2022-10-13. Review status: criteria provided, single submitter. Criteria: Invitae Variant Classification Sherloc (09022015). Collection method: clinical testing. Allele origin: germline.
Comment: This sequence change replaces leucine, which is neutral and non-polar, with valine, which is neutral and non-polar, at codon 62 of the BBS2 protein (p.Leu62Val). This variant is present in population databases (rs201860939, gnomAD 0.002%). This variant has not been reported in the literature in individuals affected with BBS2-related conditions. ClinVar contains an entry for this variant (Variation ID: 855529). Advanced modeling of protein sequence and biophysical properties (such as structural, functional, and spatial information, amino acid conservation, physicochemical variation, residue mobility, and thermodynamic stability) performed at Invitae indicates that this missense variant is not expected to disrupt BBS2 protein function. In summary, the available evidence is currently insufficient to determine the role of this variant in disease. Therefore, it has been classified as a Variant of Uncertain Significance.

Natera, Inc.
Classification: Uncertain significance for Bardet-Biedl syndrome type 2. Last evaluated: 2020-08-27. Review status: no assertion criteria provided. Collection method: clinical testing. Allele origin: germline. Not counted in ClinVar's aggregate classification.